The following is an entry in ClinVar:

NM_000400.4(ERCC2):c.2227_2233del (p.Gln743fs)

Gene: ERCC2 (ERCC excision repair 2, TFIIH core complex helicase subunit; minus strand). Cytogenetic location: 19q13.32.
Variant type: Deletion.
Coding change: c.2227_2233del on transcript NM_000400.4 (MANE Select); coding-DNA positions 2227 to 2233, 7 bases deleted (CAGCTAG; older notation c.2227_2233delCAGCTAG).
Protein change: p.Gln743fs; shifts the reading frame from glutamine 743.
Molecular consequence: frameshift variant.
Genome position (GRCh38, 1-based): chr19:45,351,679-45,351,685, CTAGCTG deleted on the plus strand (CAGCTAG on the coding strand, the reverse complement: ERCC2 is on the minus strand); deleting any 7 consecutive bases within chr19:45,351,679-45,351,687 gives the same sequence; the c. name uses the placement nearest the transcript's 3' end. VCF-style (leftmost placement, unchanged base first): chr19-45351678-TCTAGCTG-T. GRCh37 (hg19) VCF-style: chr19-45854936-TCTAGCTG-T.
Other names: short protein forms Q743fs.
Identifiers: ClinVar variation 1447509 (VCV001447509.6), dbSNP rs2123216792, ClinGen allele CA2573156451.

ClinVar aggregate classification (germline): Uncertain significance (1 of 4 stars; one submission).

Submission:

Labcorp Genetics (formerly Invitae), Labcorp
Classification: Uncertain significance. Last evaluated: 2021-04-14. Review status: criteria provided, single submitter. Criteria: Invitae Variant Classification Sherloc (09022015). Collection method: clinical testing. Allele origin: germline.
Comment: In summary, the available evidence is currently insufficient to determine the role of this variant in disease. Therefore, it has been classified as a Variant of Uncertain Significance. Experimental studies and prediction algorithms are not available or were not evaluated, and the functional significance of this variant is currently unknown. This variant has not been reported in the literature in individuals with ERCC2-related conditions. This variant is not present in population databases (ExAC no frequency). This sequence change creates a premature translational stop signal (p.Gln743Asnfs*6) in the ERCC2 gene. While this is not anticipated to result in nonsense mediated decay, it is expected to disrupt the last 18 amino acid(s) of the ERCC2 protein.